The following is an entry in ClinVar:

ClinVar aggregate classification (germline): Uncertain significance (1 of 4 stars; one submission).

Conditions:
Lower motor neuron syndrome with late-adult onset (SMAJ). Also called: Spinal muscular atrophy, Jokela type; Late-Onset Spinal Motor Neuronopathy (SMAJ). Identifiers: Orphanet 276435, MedGen C3554398, MONDO:0014025, OMIM 615048.
Autosomal dominant mitochondrial myopathy with exercise intolerance (IMMD). Also called: Myopathy, isolated mitochondrial, autosomal dominant. Identifiers: Orphanet 457050, MedGen C4015513, MONDO:0014532, OMIM 616209.
Frontotemporal dementia and/or amyotrophic lateral sclerosis 2. Also called: FTDALS2. Identifiers: Orphanet 275872, MedGen C4014648, MONDO:0014395, OMIM 615911.

Submission:

Labcorp Genetics (formerly Invitae), Labcorp
Classification: Uncertain significance for Lower motor neuron syndrome with late-adult onset; Frontotemporal dementia and/or amyotrophic lateral sclerosis 2; Autosomal dominant mitochondrial myopathy with exercise intolerance. Last evaluated: 2022-12-09. Review status: criteria provided, single submitter. Criteria: Invitae Variant Classification Sherloc (09022015). Collection method: clinical testing. Allele origin: germline.
Comment: In summary, the available evidence is currently insufficient to determine the role of this variant in disease. Therefore, it has been classified as a Variant of Uncertain Significance. Algorithms developed to predict the effect of missense changes on protein structure and function are either unavailable or do not agree on the potential impact of this missense change (SIFT: "Deleterious"; PolyPhen-2: "Benign"; Align-GVGD: "Class C0"). This variant has not been reported in the literature in individuals affected with CHCHD10-related conditions. This variant is not present in population databases (gnomAD no frequency). This sequence change replaces alanine, which is neutral and non-polar, with proline, which is neutral and non-polar, at codon 84 of the CHCHD10 protein (p.Ala84Pro).

NM_213720.3(CHCHD10):c.250G>C (p.Ala84Pro)

Gene: CHCHD10 (coiled-coil-helix-coiled-coil-helix domain containing 10; minus strand). Cytogenetic location: 22q11.23.
Variant type: single nucleotide variant.
Coding change: c.250G>C on transcript NM_213720.3 (MANE Select); coding-DNA position 250, G replaced by C.
Protein change: p.Ala84Pro; replaces alanine 84 with proline.
Molecular consequence: missense variant. On other transcripts: non-coding transcript variant (1).
Genome position (GRCh38, 1-based): chr22:23,767,385, C>G on the plus strand (G>C on the coding strand, the complement: CHCHD10 is on the minus strand). VCF-style: chr22-23767385-C-G. GRCh37 (hg19) VCF-style: chr22-24109572-C-G.
Other names: c.250G>C, p.Ala84Pro (NM_001301339.2); short protein forms A84P.
Identifiers: ClinVar variation 2938640 (VCV002938640.3), dbSNP rs2517621821, ClinGen allele CA410915773.